The following is an entry in ClinVar:

NM_001369.3(DNAH5):c.12355A>G (p.Thr4119Ala)

Gene: DNAH5 (dynein axonemal heavy chain 5; minus strand). Cytogenetic location: 5p15.2.
Variant type: single nucleotide variant.
Coding change: c.12355A>G on transcript NM_001369.3 (MANE Select); coding-DNA position 12355, A replaced by G.
Protein change: p.Thr4119Ala; replaces threonine 4119 with alanine.
Molecular consequence: missense variant.
Genome position (GRCh38, 1-based): chr5:13,719,026, T>C on the plus strand (A>G on the coding strand, the complement: DNAH5 is on the minus strand). VCF-style: chr5-13719026-T-C. GRCh37 (hg19) VCF-style: chr5-13719135-T-C.
Other names: c.12355A>G (NM_001369.2); short protein forms T4119A.
Identifiers: ClinVar variation 2000985 (VCV002000985.5), dbSNP rs2546518605, ClinGen allele CA359210922.

ClinVar aggregate classification (germline): Uncertain significance. Review status: criteria provided, single submitter (1 of 4 stars). 2 submissions from 2 submitters: Uncertain significance (1). 1 of the submissions does not count toward it. Last evaluated 2022-05-30.

Conditions:
Primary ciliary dyskinesia. Also called: Ciliary dyskinesia. Identifiers: Orphanet 244, MedGen C0008780, MONDO:0016575, HP:0012265.

Submissions (2):

Labcorp Genetics (formerly Invitae), Labcorp
Classification: Uncertain significance for Primary ciliary dyskinesia. Last evaluated: 2022-05-30. Review status: criteria provided, single submitter. Criteria: Invitae Variant Classification Sherloc (09022015). Collection method: clinical testing. Allele origin: germline.
Comment: This sequence change replaces threonine, which is neutral and polar, with alanine, which is neutral and non-polar, at codon 4119 of the DNAH5 protein (p.Thr4119Ala). This variant is not present in population databases (gnomAD no frequency). This variant has not been reported in the literature in individuals affected with DNAH5-related conditions. Advanced modeling of protein sequence and biophysical properties (such as structural, functional, and spatial information, amino acid conservation, physicochemical variation, residue mobility, and thermodynamic stability) performed at Invitae indicates that this missense variant is not expected to disrupt DNAH5 protein function. In summary, the available evidence is currently insufficient to determine the role of this variant in disease. Therefore, it has been classified as a Variant of Uncertain Significance.

Natera, Inc.
Classification: Uncertain significance for Primary ciliary dyskinesia. Last evaluated: 2025-04-14. Review status: no assertion criteria provided. Collection method: clinical testing. Allele origin: germline. Not counted in ClinVar's aggregate classification.